The following is an entry in ClinVar:

NM_000059.4(BRCA2):c.8975C>T (p.Pro2992Leu)

Gene: BRCA2 (BRCA2 DNA repair associated; plus strand). Cytogenetic location: 13q13.1.
Variant type: single nucleotide variant.
Coding change: c.8975C>T on transcript NM_000059.4 (MANE Select); coding-DNA position 8975, C replaced by T.
Protein change: p.Pro2992Leu; replaces proline 2992 with leucine.
Molecular consequence: missense variant.
Genome position (GRCh38, 1-based): chr13:32,379,771, C>T. VCF-style: chr13-32379771-C-T. GRCh37 (hg19) VCF-style: chr13-32953908-C-T.
Other names: short protein forms P2992L.
Identifiers: ClinVar variation 822861 (VCV000822861.4), dbSNP rs1593937330, ClinGen allele CA387757398.
Genomic context (GRCh38, chr13:32,379,771, plus strand): 5'-ACTTCTTCCATTGCATCTTTCTCATCTTTCTCCAAACAGTTATACTGAGTATTTGGCGTC[C>T]ATCATCAGATTTATATTCTCTGTTAACAGAAGGAAAGAGATACAGAATTTATCATCTTGC-3'
Protein context (NP_000050.3, residues 2982-3002): KDSVILSIWR[Pro2992Leu]SSDLYSLLTE

ClinVar aggregate classification (germline): Uncertain significance (1 of 4 stars; one submission).

Conditions:
Hereditary cancer-predisposing syndrome. Also called: Tumor predisposition; Hereditary Cancer Syndrome; Neoplastic Syndromes, Hereditary; Hereditary neoplastic syndrome. Identifiers: Orphanet 140162, MedGen C0027672, MeSH D009386, MONDO:0015356.

Submission:

Ambry Genetics
Classification: Uncertain significance for Hereditary cancer-predisposing syndrome. Last evaluated: 2019-10-14. Review status: criteria provided, single submitter. Criteria: Ambry Variant Classification Scheme 2023. Collection method: clinical testing. Allele origin: germline.
Comment: The p.P2992L variant (also known as c.8975C>T), located in coding exon 22 of the BRCA2 gene, results from a C to T substitution at nucleotide position 8975. The proline at codon 2992 is replaced by leucine, an amino acid with similar properties. This amino acid position is highly conserved in available vertebrate species. In addition, this alteration is predicted to be deleterious by in silico analysis. Since supporting evidence is limited at this time, the clinical significance of this alteration remains unclear.